The following is an entry in ClinVar:

ClinVar aggregate classification (germline): Uncertain significance (1 of 4 stars; one submission).

Conditions:
Inborn genetic diseases. Identifiers: MedGen C0950123, MeSH D030342.

Submission:

Ambry Genetics
Classification: Uncertain significance for Inborn genetic diseases. Last evaluated: 2025-05-19. Review status: criteria provided, single submitter. Criteria: Ambry Variant Classification Scheme 2023. Collection method: clinical testing. Allele origin: germline.
Comment: The p.S319N variant (also known as c.956G>A), located in coding exon 10 of the ASXL1 gene, results from a G to A substitution at nucleotide position 956. The serine at codon 319 is replaced by asparagine, an amino acid with highly similar properties. This amino acid position is conserved. In addition, this alteration is predicted to be tolerated by in silico analysis. Based on the available evidence, the clinical significance of this variant remains unclear.

NM_015338.6(ASXL1):c.956G>A (p.Ser319Asn)

Gene: ASXL1 (ASXL transcriptional regulator 1; plus strand). Cytogenetic location: 20q11.21.
Variant type: single nucleotide variant.
Coding change: c.956G>A on transcript NM_015338.6 (MANE Select); coding-DNA position 956, G replaced by A.
Protein change: p.Ser319Asn; replaces serine 319 with asparagine.
Molecular consequence: missense variant.
Genome position (GRCh38, 1-based): chr20:32,431,656, G>A. VCF-style: chr20-32431656-G-A. GRCh37 (hg19) VCF-style: chr20-31019459-G-A.
Other names: c.773G>A, p.Ser258Asn (NM_001363734.1); short protein forms S258N, S319N.
Identifiers: ClinVar variation 3957149 (VCV003957149.1).
Genomic context (GRCh38, chr20:32,431,656, plus strand): 5'-GCCTGTTGCGTCTCAGCAGCAGTGCACTAAATAACGAGTTTTTTACCCATGCGGCTCAGA[G>A]CTGGCGGGAGCGCCTGGCTGATGGTATGTAGACTTGGTCATCTCGGACGGCTTGCGACGC-3'
Protein context (NP_056153.2, residues 309-329): NNEFFTHAAQ[Ser319Asn]WRERLADGEF